The following is an entry in ClinVar:

NM_006651.4(CPLX1):c.208-8C>A

Gene: CPLX1 (complexin 1; minus strand). Cytogenetic location: 4p16.3.
Variant type: single nucleotide variant.
Coding change: c.208-8C>A on transcript NM_006651.4 (MANE Select); 8 bases into the intron before coding-DNA position 208, C replaced by A.
Molecular consequence: intron variant.
Genome position (GRCh38, 1-based): chr4:786,706, G>T on the plus strand (C>A on the coding strand, the complement: CPLX1 is on the minus strand). VCF-style: chr4-786706-G-T. GRCh37 (hg19) VCF-style: chr4-780494-G-T.
Other names: c.208-8C>A (NM_006651.3).
Identifiers: ClinVar variation 2174483 (VCV002174483.6), dbSNP rs369493468, ClinGen allele CA2796941.
Genomic context (GRCh38, chr4:786,706, plus strand): 5'-TCCATGGCGGCCTGGGCCTCGGCCTCGCGCTCCTCCTTCTTCTTGATGCCGTACTGCGGG[G>T]GAGGCGGGGGTCAGGGCGGGGGTCCCGGCGGCTCCCGGGCGGGCCGCAGCCTCCCTGCGC-3'

ClinVar aggregate classification (germline): Likely benign. Review status: criteria provided, single submitter (1 of 4 stars). 2 submissions from 2 submitters: Likely benign (1). 1 of the submissions does not count toward it. Last evaluated 2025-09-14.

Conditions:
CPLX1-related disorder. Also called: CPLX1-related condition.

Allele frequency attached by ClinVar (database versions not stated): 1000 Genomes Project 30x 0.00016; 1000 Genomes Project 0.00020; ESP Exome Variant Server 0.00025; gnomAD 0.00037; TOPMed 0.00047.
gnomAD v4.1: 95 of 1,585,718 alleles (0.006%); highest among the groups gnomAD compares: African/African-American, 0.12%; no homozygotes.

Submissions (2):

Labcorp Genetics (formerly Invitae), Labcorp
Classification: Likely benign. Last evaluated: 2025-09-14. Review status: criteria provided, single submitter. Criteria: Invitae Variant Classification Sherloc (09022015). Collection method: clinical testing. Allele origin: germline.

PreventionGenetics, part of Exact Sciences
Classification: Likely benign for CPLX1-related condition. Last evaluated: 2019-05-20. Review status: no assertion criteria provided. Collection method: clinical testing. Allele origin: germline. Not counted in ClinVar's aggregate classification.
Comment: This variant is classified as likely benign based on ACMG/AMP sequence variant interpretation guidelines (Richards et al. 2015 PMID: 25741868, with internal and published modifications).